The following is an entry in ClinVar:

ClinVar aggregate classification (germline): Uncertain significance. Review status: criteria provided, multiple submitters, no conflicts (2 of 4 stars). 2 submissions from 2 submitters: Uncertain significance (2). Last evaluated 2025-05-01.

Conditions:
Hypertrophic cardiomyopathy. Also called: HYPERTROPHIC MYOCARDIOPATHY. Identifiers: Orphanet 217569, MedGen C0007194, MeSH D002312, MONDO:0005045, HP:0001639.

Allele frequency attached by ClinVar (database versions not stated): gnomAD 0.00001; ExAC 0.00002; TOPMed 0.00002; gnomAD exomes 0.00004.
gnomAD v4.1: 67 of 1,613,490 alleles (0.0042%); highest among the groups gnomAD compares: Non-Finnish European, 0.0051%; no homozygotes.

Submissions (2):

Labcorp Genetics (formerly Invitae), Labcorp
Classification: Uncertain significance for Hypertrophic cardiomyopathy. Last evaluated: 2025-05-01. Review status: criteria provided, single submitter. Criteria: Invitae Variant Classification Sherloc (09022015). Collection method: clinical testing. Allele origin: germline.
Comment: This sequence change replaces arginine, which is basic and polar, with tryptophan, which is neutral and slightly polar, at codon 1067 of the MYOM1 protein (p.Arg1067Trp). This variant is present in population databases (rs748569417, gnomAD 0.007%). This variant has not been reported in the literature in individuals affected with MYOM1-related conditions. ClinVar contains an entry for this variant (Variation ID: 1728748). Invitae Evidence Modeling of protein sequence and biophysical properties (such as structural, functional, and spatial information, amino acid conservation, physicochemical variation, residue mobility, and thermodynamic stability) indicates that this missense variant is not expected to disrupt MYOM1 protein function with a negative predictive value of 80%. In summary, the available evidence is currently insufficient to determine the role of this variant in disease. Therefore, it has been classified as a Variant of Uncertain Significance.

Ambry Genetics
Classification: Uncertain significance. Last evaluated: 2024-04-28. Review status: criteria provided, single submitter. Criteria: Ambry Variant Classification Scheme 2023. Collection method: clinical testing. Allele origin: germline.
Comment: The p.R1067W variant (also known as c.3199C>T), located in coding exon 20 of the MYOM1 gene, results from a C to T substitution at nucleotide position 3199. The arginine at codon 1067 is replaced by tryptophan, an amino acid with dissimilar properties. This amino acid position is conserved. In addition, the in silico prediction for this alteration is inconclusive. Since supporting evidence is limited at this time, the clinical significance of this alteration remains unclear.

NM_003803.4(MYOM1):c.3199C>T (p.Arg1067Trp)

Gene: MYOM1 (myomesin 1; minus strand). Cytogenetic location: 18p11.31.
Variant type: single nucleotide variant.
Coding change: c.3199C>T on transcript NM_003803.4 (MANE Select); coding-DNA position 3199, C replaced by T.
Protein change: p.Arg1067Trp; replaces arginine 1067 with tryptophan.
Molecular consequence: missense variant.
Genome position (GRCh38, 1-based): chr18:3,116,435, G>A on the plus strand (C>T on the coding strand, the complement: MYOM1 is on the minus strand). VCF-style: chr18-3116435-G-A. GRCh37 (hg19) VCF-style: chr18-3116433-G-A.
Other names: c.2911C>T, p.Arg971Trp (NM_019856.2); short protein forms R1067W, R971W.
Identifiers: ClinVar variation 1728748 (VCV001728748.8), dbSNP rs748569417, ClinGen allele CA8874383.